The following is an entry in ClinVar:

NM_001142800.2(EYS):c.3126C>T (p.Asn1042=)

Gene: EYS (EGF-like photoreceptor maintenance factor; minus strand). Cytogenetic location: 6q12.
Variant type: single nucleotide variant.
Coding change: c.3126C>T on transcript NM_001142800.2 (MANE Select); coding-DNA position 3126, C replaced by T.
Protein change: p.Asn1042=; no amino-acid change (asparagine 1042 retained).
Molecular consequence: synonymous variant.
Genome position (GRCh38, 1-based): chr6:64,822,689, G>A on the plus strand (C>T on the coding strand, the complement: EYS is on the minus strand). VCF-style: chr6-64822689-G-A. GRCh37 (hg19) VCF-style: chr6-65532582-G-A.
Other names: c.3126C>T, p.Asn1042= (NM_001292009.2).
Identifiers: ClinVar variation 744991 (VCV000744991.12), dbSNP rs368790430, ClinGen allele CA3877218.

ClinVar aggregate classification (germline): Likely benign. Review status: criteria provided, multiple submitters, no conflicts (2 of 4 stars). 3 submissions from 3 submitters: Likely benign (2). 1 of the submissions does not count toward it. Last evaluated 2025-11-07.

Conditions:
EYS-related disorder. Also called: EYS-related condition.
Retinitis pigmentosa 25 (RP25). Identifiers: Orphanet 791, MedGen C1864446, MONDO:0011272, OMIM 602772.

Allele frequency attached by ClinVar (database versions not stated): gnomAD below 0.00001 and 0.00001; TOPMed 0.00003; ExAC 0.00005; gnomAD exomes 0.00005; ESP Exome Variant Server 0.00022.
gnomAD v4.1: 22 of 1,545,096 alleles (0.0014%); highest among the groups gnomAD compares: Admixed American, 0.016%; no homozygotes.

Submissions (3):

PreventionGenetics, part of Exact Sciences
Classification: Likely benign for EYS-related condition. Last evaluated: 2025-11-07. Review status: criteria provided, single submitter. Criteria: ACMG Guidelines, 2015. Collection method: clinical testing. Allele origin: germline.
Comment: This variant is classified as likely benign based on ACMG/AMP sequence variant interpretation guidelines (Richards et al. 2015 PMID: 25741868, with internal and published modifications).

Labcorp Genetics (formerly Invitae), Labcorp
Classification: Likely benign. Last evaluated: 2024-01-09. Review status: criteria provided, single submitter. Criteria: Invitae Variant Classification Sherloc (09022015). Collection method: clinical testing. Allele origin: germline.

Natera, Inc.
Classification: Likely benign for Retinitis pigmentosa type 25. Last evaluated: 2020-09-16. Review status: no assertion criteria provided. Collection method: clinical testing. Allele origin: germline. Not counted in ClinVar's aggregate classification.